The following is an entry in ClinVar:

NM_002546.4(TNFRSF11B):c.1142A>G (p.Tyr381Cys)

Gene: TNFRSF11B (TNF receptor superfamily member 11b; minus strand). Cytogenetic location: 8q24.12.
Variant type: single nucleotide variant.
Coding change: c.1142A>G on transcript NM_002546.4 (MANE Select); coding-DNA position 1142, A replaced by G.
Protein change: p.Tyr381Cys; replaces tyrosine 381 with cysteine.
Molecular consequence: missense variant.
Genome position (GRCh38, 1-based): chr8:118,924,438, T>C on the plus strand (A>G on the coding strand, the complement: TNFRSF11B is on the minus strand). VCF-style: chr8-118924438-T-C. GRCh37 (hg19) VCF-style: chr8-119936677-T-C.
Other names: short protein forms Y381C.
Identifiers: ClinVar variation 2879440 (VCV002879440.3), dbSNP rs2488045616, ClinGen allele CA371918358.
Genomic context (GRCh38, chr8:118,924,438, plus strand): 5'-AAGCAGCTTATTTTTACTGATTGGACCTGGTTACCTATCATTTCTAAAAATAACTTCTGA[T>C]ACAATTTGTACATTGTGAAGCTGTGAAGGAACCTGATGGTCTTCTTTAGACTCTGAGTGA-3'
Protein context (NP_002537.3, residues 371-391): FLHSFTMYKL[Tyr381Cys]QKLFLEMIGN

ClinVar aggregate classification (germline): Uncertain significance (1 of 4 stars; one submission).

Allele frequency attached by ClinVar (database versions not stated): gnomAD exomes below 0.00001.
gnomAD v4.1: 2 of 1,614,126 alleles (0.00012%); highest among the groups gnomAD compares: Non-Finnish European, 0.00017%; no homozygotes.

Submission:

Labcorp Genetics (formerly Invitae), Labcorp
Classification: Uncertain significance. Last evaluated: 2023-08-31. Review status: criteria provided, single submitter. Criteria: Invitae Variant Classification Sherloc (09022015). Collection method: clinical testing. Allele origin: germline.
Comment: This variant is not present in population databases (gnomAD no frequency). This sequence change replaces tyrosine, which is neutral and polar, with cysteine, which is neutral and slightly polar, at codon 381 of the TNFRSF11B protein (p.Tyr381Cys). This variant has not been reported in the literature in individuals affected with TNFRSF11B-related conditions. In summary, the available evidence is currently insufficient to determine the role of this variant in disease. Therefore, it has been classified as a Variant of Uncertain Significance. An algorithm developed to predict the effect of missense changes on protein structure and function (PolyPhen-2) suggests that this variant is likely to be disruptive.